The following is an entry in ClinVar:

ClinVar aggregate classification (germline): Uncertain significance (1 of 4 stars; one submission).

Conditions:
Primary ciliary dyskinesia. Also called: Ciliary dyskinesia. Identifiers: Orphanet 244, MedGen C0008780, MONDO:0016575, HP:0012265.

gnomAD v4.1: 2 of 1,580,158 alleles (0.00013%); highest among the groups gnomAD compares: African/African-American, 0.0027%; no homozygotes.

Submission:

Ambry Genetics
Classification: Uncertain significance for Primary ciliary dyskinesia. Last evaluated: 2017-12-27. Review status: criteria provided, single submitter. Criteria: Ambry Variant Classification Scheme 2023. Collection method: clinical testing. Allele origin: germline.
Comment: The p.Y226D variant (also known as c.676T>G), located in coding exon 1 of the DNAAF2 gene, results from a T to G substitution at nucleotide position 676. The tyrosine at codon 226 is replaced by aspartic acid, an amino acid with highly dissimilar properties. This amino acid position is not well conserved in available vertebrate species. In addition, this alteration is predicted to be tolerated by in silico analysis. Since supporting evidence is limited at this time, the clinical significance of this alteration remains unclear.

NM_018139.3(DNAAF2):c.676T>G (p.Tyr226Asp)

Gene: DNAAF2 (dynein axonemal assembly factor 2; minus strand). Cytogenetic location: 14q21.3.
Variant type: single nucleotide variant.
Coding change: c.676T>G on transcript NM_018139.3 (MANE Select); coding-DNA position 676, T replaced by G.
Protein change: p.Tyr226Asp; replaces tyrosine 226 with aspartic acid.
Molecular consequence: missense variant.
Genome position (GRCh38, 1-based): chr14:49,634,474, A>C on the plus strand (T>G on the coding strand, the complement: DNAAF2 is on the minus strand). VCF-style: chr14-49634474-A-C. GRCh37 (hg19) VCF-style: chr14-50101192-A-C.
Other names: c.676T>G, p.Tyr226Asp (NM_001083908.2); short protein forms Y226D.
Identifiers: ClinVar variation 1755356 (VCV001755356.2), dbSNP rs566190340, ClinGen allele CA260669081.